The following is an entry in ClinVar:

NM_001182.5(ALDH7A1):c.696-512T>C

Gene: ALDH7A1 (aldehyde dehydrogenase 7 family member A1; minus strand). Cytogenetic location: 5q23.2.
Variant type: single nucleotide variant.
Coding change: c.696-512T>C on transcript NM_001182.5 (MANE Select); 512 bases into the intron before coding-DNA position 696, T replaced by C.
Molecular consequence: intron variant.
Genome position (GRCh38, 1-based): chr5:126,571,371, A>G on the plus strand (T>C on the coding strand, the complement: ALDH7A1 is on the minus strand). VCF-style: chr5-126571371-A-G. GRCh37 (hg19) VCF-style: chr5-125907063-A-G.
Other names: c.696-512T>C (NM_001202404.2); c.612-512T>C (NM_001201377.2).
Identifiers: ClinVar variation 4977913 (VCV004977913.1).

ClinVar aggregate classification (germline): Likely benign (1 of 4 stars; one submission).

Conditions:
ALDH7A1-related disorder. Also called: ALDH7A1-related condition.

Submission:

PreventionGenetics, part of Exact Sciences
Classification: Likely benign for ALDH7A1-related condition. Last evaluated: 2026-05-12. Review status: criteria provided, single submitter. Criteria: ACMG Guidelines, 2015. Collection method: clinical testing. Allele origin: germline.
Comment: This variant is classified as likely benign based on ACMG/AMP sequence variant interpretation guidelines (Richards et al. 2015 PMID: 25741868, with internal and published modifications).